The following is an entry in ClinVar:

NM_014003.4(DHX38):c.1550G>A (p.Ser517Asn)

Gene: DHX38 (DEAH-box helicase 38; plus strand). Cytogenetic location: 16q22.2.
Variant type: single nucleotide variant.
Coding change: c.1550G>A on transcript NM_014003.4 (MANE Select); coding-DNA position 1550, G replaced by A.
Protein change: p.Ser517Asn; replaces serine 517 with asparagine.
Molecular consequence: missense variant.
Genome position (GRCh38, 1-based): chr16:72,103,124, G>A. VCF-style: chr16-72103124-G-A. GRCh37 (hg19) VCF-style: chr16-72137023-G-A.
Other names: short protein forms S517N.
Identifiers: ClinVar variation 1898645 (VCV001898645.6), dbSNP rs1245650152, ClinGen allele CA396707434.
Genomic context (GRCh38, chr16:72,103,124, plus strand): 5'-GTGTTCCTAGGACAGAGCAGAAGTTTGCAGATCACATGAAGAGAAAGAGCGAAGCCAGCA[G>A]TGAATTTGCAAAGAAGAAGTCCATCCTGGAGCAGAGGCAGTACCTGCCCATCTTTGCAGT-3'
Protein context (NP_054722.2, residues 507-527): DHMKRKSEAS[Ser517Asn]EFAKKKSILE

ClinVar aggregate classification (germline): Uncertain significance. Review status: criteria provided, multiple submitters, no conflicts (2 of 4 stars). 2 submissions from 2 submitters: Uncertain significance (2). Last evaluated 2025-04-28.

Allele frequency attached by ClinVar (database versions not stated): gnomAD exomes below 0.00001; gnomAD 0.00001; TOPMed 0.00001.
gnomAD v4.1: 3 of 1,614,138 alleles (0.00019%); highest among the groups gnomAD compares: Non-Finnish European, 0.00025%; no homozygotes.

Submissions (2):

Labcorp Genetics (formerly Invitae), Labcorp
Classification: Uncertain significance. Last evaluated: 2025-04-28. Review status: criteria provided, single submitter. Criteria: Invitae Variant Classification Sherloc (09022015). Collection method: clinical testing. Allele origin: germline.
Comment: This sequence change replaces serine, which is neutral and polar, with asparagine, which is neutral and polar, at codon 517 of the DHX38 protein (p.Ser517Asn). This variant is not present in population databases (gnomAD no frequency). This variant has not been reported in the literature in individuals affected with DHX38-related conditions. ClinVar contains an entry for this variant (Variation ID: 1898645). Invitae Evidence Modeling of protein sequence and biophysical properties (such as structural, functional, and spatial information, amino acid conservation, physicochemical variation, residue mobility, and thermodynamic stability) indicates that this missense variant is not expected to disrupt DHX38 protein function with a negative predictive value of 80%. In summary, the available evidence is currently insufficient to determine the role of this variant in disease. Therefore, it has been classified as a Variant of Uncertain Significance.

Blueprint Genetics
Classification: Uncertain significance. Last evaluated: 2018-09-24. Review status: criteria provided, single submitter. Criteria: ACMG Guidelines, 2015. Collection method: clinical testing. Allele origin: germline.